The following is an entry in ClinVar:

ClinVar aggregate classification (germline): Conflicting classifications of pathogenicity. Review status: criteria provided, conflicting classifications (1 of 4 stars). 2 submissions from 2 submitters: Pathogenic (1); Uncertain significance (1). Last evaluated 2026-01-13.

Conditions:
Intellectual developmental disorder, X-linked 1. Also called: Atkin Flaitz Patil Smith syndrome; MENTAL RETARDATION, X-LINKED 18; MENTAL RETARDATION, X-LINKED 78; Intellectual disability, X-linked 1. Identifiers: Orphanet 777, MedGen C2931498, MONDO:0010656, OMIM 309530.

Submissions (2):

Dasa
Classification: Uncertain significance for Intellectual developmental disorder, X-linked 1. Last evaluated: 2026-01-13. Review status: criteria provided, single submitter. Criteria: DASA Assertion Criteria. Collection method: clinical testing. Allele origin: germline.
Comment: NM_001111125.3(IQSEC2):c.4324_4334del (p.Pro1442Serfs*161) is a frameshift variant in IQSEC2 predicted to alter the reading frame and introduce a premature termination codon and is predicted to result in an absent or altered protein product. This variant is rare in population databases. The currently available literature and clinical evidence are not sufficient to establish a definitive association between this variant and the reported condition. Therefore, this variant is classified as a variant of uncertain significance.

Labcorp Genetics (formerly Invitae), Labcorp
Classification: Pathogenic for Intellectual developmental disorder, X-linked 1. Last evaluated: 2020-01-15. Review status: criteria provided, single submitter. Criteria: Invitae Variant Classification Sherloc (09022015). Collection method: clinical testing. Allele origin: germline.
Comment: This sequence change results in a frameshift in the IQSEC2 gene (p.Pro1442Serfs*161). While this is not anticipated to result in nonsense mediated decay, it is expected to disrupt the last 47 amino acids of the IQSEC2 protein and extend the protein by an additional 114 amino acids. The frequency data for this variant in the population databases is considered unreliable, as metrics indicate insufficient coverage at this position in the ExAC database. This variant has been observed in individual(s) with clinical features of IQSEC2-related conditions (Invitae). In at least one individual the variant was inherited from an unaffected parent who was apparently germline mosaic. For these reasons, this variant has been classified as Pathogenic.

NM_001111125.3(IQSEC2):c.4324_4334del (p.Pro1442fs)

Gene: IQSEC2 (IQ motif and Sec7 domain ArfGEF 2; minus strand). Cytogenetic location: Xp11.22.
Variant type: Deletion.
Coding change: c.4324_4334del on transcript NM_001111125.3 (MANE Select); coding-DNA positions 4324 to 4334, 11 bases deleted (CCACCCTCCCC).
Protein change: p.Pro1442fs; shifts the reading frame from proline 1442.
Molecular consequence: frameshift variant. On other transcripts: 3 prime UTR variant (1).
Genome position (GRCh38, 1-based): chrX:53,234,352-53,234,362, GGGGAGGGTGG deleted on the plus strand (CCACCCTCCCC on the coding strand, the reverse complement: IQSEC2 is on the minus strand); deleting any 11 consecutive bases within chrX:53,234,352-53,234,370 gives the same sequence; the c. name uses the placement nearest the transcript's 3' end. VCF-style (leftmost placement, unchanged base first): chrX-53234351-AGGGGAGGGTGG-A. GRCh37 (hg19) VCF-style: chrX-53263533-AGGGGAGGGTGG-A.
Other names: c.*809_*819del (NM_015075.2); short protein forms P1442fs.
Identifiers: ClinVar variation 859387 (VCV000859387.12), dbSNP rs2074091750, ClinGen allele CA916083959.